The following is an entry in ClinVar:

ClinVar aggregate classification (germline): Benign (3 of 4 stars; one submission).

Conditions:
Breast-ovarian cancer, familial, susceptibility to, 1 (BROVCA1). Also called: BRCA1 Hereditary Breast and Ovarian Cancer; OVARIAN CANCER, SUSCEPTIBILITY TO. Identifiers: Orphanet 145, MedGen C2676676, MONDO:0011450, OMIM 604370. Disease mechanism: loss of function.

Allele frequency attached by ClinVar (database versions not stated): TOPMed 0.30201; 1000 Genomes Project 0.35363; 1000 Genomes Project 30x 0.49547.

Submission:

Evidence-based Network for the Interpretation of Germline Mutant Alleles (ENIGMA)
Classification: Benign for Breast-ovarian cancer, familial, susceptibility to, 1. Last evaluated: 2016-09-28. Review status: reviewed by expert panel. Criteria: ENIGMA BRCA1/2 Classification Criteria (2015). Collection method: curation. Allele origin: germline.
Comment: Class 1 not pathogenic based on frequency >1% in an outbred sampleset. Frequency 0.3579 (European), 0.2194 (African), 0.3761 (Admixed American/Latino), 0.371 (East Asian), 0.4969 (South Asian), derived from 1000 genomes (2013-05-02).

NM_007294.4(BRCA1):c.4358-1142A>G

Gene: BRCA1 (BRCA1 DNA repair associated; minus strand). Cytogenetic location: 17q21.31.
Variant type: single nucleotide variant.
Coding change: c.4358-1142A>G on transcript NM_007294.4 (MANE Select); 1142 bases into the intron before coding-DNA position 4358, A replaced by G.
Molecular consequence: intron variant.
Genome position (GRCh38, 1-based): chr17:43,077,756, T>C on the plus strand (A>G on the coding strand, the complement: BRCA1 is on the minus strand). VCF-style: chr17-43077756-T-C. GRCh37 (hg19) VCF-style: chr17-41229773-T-C.
Other names: c.908-1145A>G (NM_001408458.1, NM_001408461.1, NM_001408459.1 and 1 more transcripts); c.3470-1145A>G (NM_001407967.1); c.3977-1142A>G (NM_001407959.1); c.4091-1142A>G (NM_001407931.1, NM_001407932.1, NM_001407930.1 and 1 more transcripts); c.4214-1142A>G (NM_001407747.1, NM_001407745.1, NM_001407746.1 and 11 more transcripts); c.3974-1142A>G (NM_001407962.1); c.545-1142A>G (NM_001408512.1); c.668-1142A>G (NM_001408510.1); and 98 more.
Identifiers: ClinVar variation 264844 (VCV000264844.2), dbSNP rs8176203, ClinGen allele CA10588212.